The following is an entry in ClinVar:

ClinVar aggregate classification (germline): Likely benign (1 of 4 stars; one submission).

Allele frequency attached by ClinVar (database versions not stated): TOPMed 0.00106; gnomAD 0.00113; 1000 Genomes Project 30x 0.00125; 1000 Genomes Project 0.00132.
gnomAD v4.1: 125 of 111,902 alleles (0.11%); highest among the groups gnomAD compares: Non-Finnish European, 0.17%; no homozygotes.

Submission:

CeGaT Center for Human Genetics Tuebingen
Classification: Likely benign. Last evaluated: 2026-09-01. Review status: criteria provided, single submitter. Criteria: CeGaT Center For Human Genetics Tuebingen Variant Classification Criteria Version 2. Collection method: clinical testing. Allele origin: germline. Affected: yes. Observed: 7 variant alleles.
Comment: F8: BS2

NM_000132.4(F8):c.1010-842G>A

Genes: F8 (coagulation factor VIII; minus strand), LOC126863349 (P300/CBP strongly-dependent group 1 enhancer GRCh37_chrX:154195537-154196736; plus strand). Cytogenetic location: Xq28.
Variant type: single nucleotide variant.
Coding change: c.1010-842G>A on transcript NM_000132.4 (MANE Select); 842 bases into the intron before coding-DNA position 1010, G replaced by A.
Molecular consequence: intron variant.
Genome position (GRCh38, 1-based): chrX:154,967,529, C>T on the plus strand (G>A on the coding strand, the complement: F8 is on the minus strand). VCF-style: chrX-154967529-C-T. GRCh37 (hg19) VCF-style: chrX-154195804-C-T.
Identifiers: ClinVar variation 2571388 (VCV002571388.27), dbSNP rs148954517, ClinGen allele CA337336857.